The following is an entry in ClinVar:

ClinVar aggregate classification (germline): Uncertain significance. Review status: criteria provided, multiple submitters, no conflicts (2 of 4 stars). 2 submissions from 2 submitters: Uncertain significance (2). Last evaluated 2025-06-18.

gnomAD v4.1: 41 of 1,612,602 alleles (0.0025%); highest among the groups gnomAD compares: Non-Finnish European, 0.0031%; no homozygotes.

Submissions (2):

Ambry Genetics
Classification: Uncertain significance. Last evaluated: 2025-06-18. Review status: criteria provided, single submitter. Criteria: Ambry Variant Classification Scheme 2023. Collection method: clinical testing. Allele origin: germline.

Labcorp Genetics (formerly Invitae), Labcorp
Classification: Uncertain significance. Last evaluated: 2025-02-27. Review status: criteria provided, single submitter. Criteria: Invitae Variant Classification Sherloc (09022015). Collection method: clinical testing. Allele origin: germline.
Comment: This sequence change replaces arginine, which is basic and polar, with glutamine, which is neutral and polar, at codon 3024 of the HMCN1 protein (p.Arg3024Gln). This variant is present in population databases (rs776569442, gnomAD 0.003%). This variant has not been reported in the literature in individuals affected with HMCN1-related conditions. An algorithm developed to predict the effect of missense changes on protein structure and function (PolyPhen-2) suggests that this variant is likely to be disruptive. In summary, the available evidence is currently insufficient to determine the role of this variant in disease. Therefore, it has been classified as a Variant of Uncertain Significance.

NM_031935.3(HMCN1):c.9071G>A (p.Arg3024Gln)

Gene: HMCN1 (hemicentin 1; plus strand). Cytogenetic location: 1q31.1.
Variant type: single nucleotide variant.
Coding change: c.9071G>A on transcript NM_031935.3 (MANE Select); coding-DNA position 9071, G replaced by A.
Protein change: p.Arg3024Gln; replaces arginine 3024 with glutamine.
Molecular consequence: missense variant.
Genome position (GRCh38, 1-based): chr1:186,087,241, G>A. VCF-style: chr1-186087241-G-A. GRCh37 (hg19) VCF-style: chr1-186056373-G-A.
Other names: short protein forms R3024Q.
Identifiers: ClinVar variation 4271232 (VCV004271232.2).